The following is an entry in ClinVar:

ClinVar aggregate classification (germline): Uncertain significance. Review status: criteria provided, multiple submitters, no conflicts (2 of 4 stars). 3 submissions from 3 submitters: Uncertain significance (3). Last evaluated 2024-11-19.

Conditions:
Mosaic variegated aneuploidy syndrome 1 (MVA1). Also called: Warburton-Anyane-Yeboa syndrome. Identifiers: Orphanet 1052, MedGen C1850343, MONDO:0009759, OMIM 257300.
Inborn genetic diseases. Identifiers: MedGen C0950123, MeSH D030342.

Allele frequency attached by ClinVar (database versions not stated): gnomAD exomes below 0.00001; gnomAD 0.00001; TOPMed 0.00002.
gnomAD v4.1: 21 of 1,614,052 alleles (0.0013%); highest among the groups gnomAD compares: Non-Finnish European, 0.0017%; no homozygotes.

Submissions (3):

Labcorp Genetics (formerly Invitae), Labcorp
Classification: Uncertain significance for Mosaic variegated aneuploidy syndrome 1. Last evaluated: 2024-11-19. Review status: criteria provided, single submitter. Criteria: Invitae Variant Classification Sherloc (09022015). Collection method: clinical testing. Allele origin: germline.
Comment: This sequence change replaces cysteine, which is neutral and slightly polar, with phenylalanine, which is neutral and non-polar, at codon 609 of the BUB1B protein (p.Cys609Phe). This variant is present in population databases (no rsID available, gnomAD 0.0009%). This variant has not been reported in the literature in individuals affected with BUB1B-related conditions. ClinVar contains an entry for this variant (Variation ID: 997644). An algorithm developed to predict the effect of missense changes on protein structure and function (PolyPhen-2) suggests that this variant is likely to be disruptive. In summary, the available evidence is currently insufficient to determine the role of this variant in disease. Therefore, it has been classified as a Variant of Uncertain Significance.

Ambry Genetics
Classification: Uncertain significance for Inborn genetic diseases. Last evaluated: 2024-04-01. Review status: criteria provided, single submitter. Criteria: Ambry Variant Classification Scheme 2023. Collection method: clinical testing. Allele origin: germline.
Comment: The p.C609F variant (also known as c.1826G>T), located in coding exon 15 of the BUB1B gene, results from a G to T substitution at nucleotide position 1826. The cysteine at codon 609 is replaced by phenylalanine, an amino acid with highly dissimilar properties. This amino acid position is conserved. In addition, the in silico prediction for this alteration is inconclusive. Since supporting evidence is limited at this time, the clinical significance of this alteration remains unclear.

Baylor Genetics
Classification: Uncertain significance for Mosaic variegated aneuploidy syndrome 1. Last evaluated: 2020-01-07. Review status: criteria provided, single submitter. Criteria: ACMG Guidelines, 2015. Collection method: clinical testing. Allele origin: maternal. Affected: yes. Study: CSER-TexasKidsCanSeq.
Comment: This variant was determined to be of uncertain significance according to ACMG Guidelines, 2015 [PMID:25741868].

NM_001211.6(BUB1B):c.1826G>T (p.Cys609Phe)

Gene: BUB1B (BUB1 mitotic checkpoint serine/threonine kinase B; plus strand). Cytogenetic location: 15q15.1.
Variant type: single nucleotide variant.
Coding change: c.1826G>T on transcript NM_001211.6 (MANE Select); coding-DNA position 1826, G replaced by T.
Protein change: p.Cys609Phe; replaces cysteine 609 with phenylalanine.
Molecular consequence: missense variant.
Genome position (GRCh38, 1-based): chr15:40,206,275, G>T. VCF-style: chr15-40206275-G-T. GRCh37 (hg19) VCF-style: chr15-40498476-G-T.
Other names: short protein forms C609F.
Identifiers: ClinVar variation 997644 (VCV000997644.7), dbSNP rs1260445282, ClinGen allele CA391692478.